The following is an entry in ClinVar:

ClinVar aggregate classification (germline): Uncertain significance (1 of 4 stars; one submission).

gnomAD v4.1: 40 of 1,613,544 alleles (0.0025%); highest among the groups gnomAD compares: Admixed American, 0.048%; no homozygotes.

Submission:

Labcorp Genetics (formerly Invitae), Labcorp
Classification: Uncertain significance. Last evaluated: 2024-05-06. Review status: criteria provided, single submitter. Criteria: Invitae Variant Classification Sherloc (09022015). Collection method: clinical testing. Allele origin: germline.
Comment: This sequence change replaces glutamic acid, which is acidic and polar, with lysine, which is basic and polar, at codon 216 of the TNNT3 protein (p.Glu216Lys). This variant is present in population databases (no rsID available, gnomAD 0.03%). This variant has not been reported in the literature in individuals affected with TNNT3-related conditions. An algorithm developed to predict the effect of missense changes on protein structure and function (PolyPhen-2) suggests that this variant is likely to be tolerated. In summary, the available evidence is currently insufficient to determine the role of this variant in disease. Therefore, it has been classified as a Variant of Uncertain Significance.

NM_006757.4(TNNT3):c.646G>A (p.Glu216Lys)

Gene: TNNT3 (troponin T3, fast skeletal type; plus strand). Cytogenetic location: 11p15.5.
Variant type: single nucleotide variant.
Coding change: c.646G>A on transcript NM_006757.4 (MANE Select); coding-DNA position 646, G replaced by A.
Protein change: p.Glu216Lys; replaces glutamic acid 216 with lysine.
Molecular consequence: missense variant.
Genome position (GRCh38, 1-based): chr11:1,934,884, G>A. VCF-style: chr11-1934884-G-A. GRCh37 (hg19) VCF-style: chr11-1956114-G-A.
Other names: c.622G>A, p.Glu208Lys (NM_001042780.3, NM_001042782.3, NM_001297646.2 and 2 more transcripts); c.640G>A, p.Glu214Lys (NM_001042781.3, NM_001367842.1, NM_001367843.1); c.655G>A, p.Glu219Lys (NM_001363561.2, NM_001367847.1); c.679G>A, p.Glu227Lys (NM_001367846.1); c.643G>A, p.Glu215Lys (NM_001367848.1); c.634G>A, p.Glu212Lys (NM_001367849.1); c.589G>A, p.Glu197Lys (NM_001367850.1); c.442G>A, p.Glu148Lys (NM_001367851.1, NM_001367852.1); short protein forms E197K, E214K, E215K, E227K, E208K, E212K, E148K, E216K.
Identifiers: ClinVar variation 3717759 (VCV003717759.2).